The following is an entry in ClinVar:

NM_001048174.2(MUTYH):c.57G>C (p.Gln19His)

Gene: MUTYH (mutY DNA glycosylase; minus strand). Cytogenetic location: 1p34.1.
Variant type: single nucleotide variant.
Coding change: c.57G>C on transcript NM_001048174.2 (MANE Select); coding-DNA position 57, G replaced by C.
Protein change: p.Gln19His; replaces glutamine 19 with histidine.
Molecular consequence: missense variant. On other transcripts: 5 prime UTR variant (7), non-coding transcript variant (7).
Genome position (GRCh38, 1-based): chr1:45,334,449, C>G on the plus strand (G>C on the coding strand, the complement: MUTYH is on the minus strand). VCF-style: chr1-45334449-C-G. GRCh37 (hg19) VCF-style: chr1-45800121-C-G.
Other names: c.57G>C, p.Gln19His (NM_001048171.2, NM_001048172.2, NM_001048173.2 and 15 more transcripts); c.99G>C, p.Gln33His (NM_001128425.2, NM_001293190.2, NM_001407069.1 and 2 more transcripts); c.-156G>C (NM_001293192.2, NM_001293196.2, NM_001407091.1); c.-215G>C (NM_001350650.2); c.-151G>C (NM_001350651.2, NM_001407082.1); c.-100G>C (NM_001407075.1); c.75G>C, p.Gln25His (NM_001407087.1); short protein forms Q33H, Q19H, Q25H.
Identifiers: ClinVar variation 2997938 (VCV002997938.2), dbSNP rs2149188194, ClinGen allele CA340137129.

ClinVar aggregate classification (germline): Uncertain significance. Review status: criteria provided, multiple submitters, no conflicts (2 of 4 stars). 2 submissions from 2 submitters: Uncertain significance (2). Last evaluated 2025-08-27.

Conditions:
Hereditary cancer-predisposing syndrome. Also called: Neoplastic Syndromes, Hereditary; Hereditary Cancer Syndrome; Hereditary neoplastic syndrome; Tumor predisposition. Identifiers: Orphanet 140162, MedGen C0027672, MeSH D009386, MONDO:0015356.
Familial adenomatous polyposis 2. Also called: MYH-associated polyposis; FAP type 2; MUTYH-associated polyposis; MUTYH-related attenuated familial adenomatous polyposis; COLORECTAL ADENOMATOUS POLYPOSIS, AUTOSOMAL RECESSIVE; ADENOMAS, MULTIPLE COLORECTAL, AUTOSOMAL RECESSIVE. Identifiers: Orphanet 220460, Orphanet 247798, MedGen C3272841, MONDO:0012041, OMIM 608456.

Submissions (2):

Ambry Genetics
Classification: Uncertain significance for Hereditary cancer-predisposing syndrome. Last evaluated: 2025-08-27. Review status: criteria provided, single submitter. Criteria: Ambry Variant Classification Scheme 2023. Collection method: clinical testing. Allele origin: germline.
Comment: The p.Q33H variant (also known as c.99G>C), located in coding exon 2 of the MUTYH gene, results from a G to C substitution at nucleotide position 99. The glutamine at codon 33 is replaced by histidine, an amino acid with highly similar properties. This amino acid position is conserved. In addition, this alteration is predicted to be tolerated by in silico analysis. Based on the available evidence, the clinical significance of this variant remains unclear.

Labcorp Genetics (formerly Invitae), Labcorp
Classification: Uncertain significance for Familial adenomatous polyposis 2. Last evaluated: 2023-04-30. Review status: criteria provided, single submitter. Criteria: Invitae Variant Classification Sherloc (09022015). Collection method: clinical testing. Allele origin: germline.
Comment: In summary, the available evidence is currently insufficient to determine the role of this variant in disease. Therefore, it has been classified as a Variant of Uncertain Significance. Algorithms developed to predict the effect of missense changes on protein structure and function output the following: SIFT: "Not Available"; PolyPhen-2: "Benign"; Align-GVGD: "Not Available". The histidine amino acid residue is found in multiple mammalian species, which suggests that this missense change does not adversely affect protein function. This variant has not been reported in the literature in individuals affected with MUTYH-related conditions. This variant is not present in population databases (gnomAD no frequency). This sequence change replaces glutamine, which is neutral and polar, with histidine, which is basic and polar, at codon 33 of the MUTYH protein (p.Gln33His).